The following is an entry in ClinVar:

NM_001243133.2(NLRP3):c.1642C>T (p.Arg548Cys)

Gene: NLRP3 (NLR family pyrin domain containing 3; plus strand). Cytogenetic location: 1q44.
Variant type: single nucleotide variant.
Coding change: c.1642C>T on transcript NM_001243133.2 (MANE Select); coding-DNA position 1642, C replaced by T.
Protein change: p.Arg548Cys; replaces arginine 548 with cysteine.
Molecular consequence: missense variant.
Genome position (GRCh38, 1-based): chr1:247,425,091, C>T. VCF-style: chr1-247425091-C-T. GRCh37 (hg19) VCF-style: chr1-247588393-C-T.
Other names: c.1642C>T, p.Arg548Cys (NM_001079821.3, NM_001127461.3, NM_001127462.3 and 1 more transcripts); c.1648C>T, p.Arg550Cys (NM_004895.5); short protein forms R548C, R550C.
Identifiers: ClinVar variation 1018794 (VCV001018794.12), dbSNP rs201678213, ClinGen allele CA1495049.

ClinVar aggregate classification (germline): Conflicting classifications of pathogenicity. Review status: criteria provided, conflicting classifications (1 of 4 stars). 5 submissions from 5 submitters: Uncertain significance (2); Likely benign (1). 2 of the submissions do not count toward it. Last evaluated 2024-12-25.

Conditions:
Cryopyrin associated periodic syndrome (CAPS). Identifiers: Orphanet 208650, MedGen C2316212, MONDO:0016168.
Autoinflammatory syndrome. Identifiers: Orphanet 93665, MedGen C3890737, MONDO:0019751.

Allele frequency attached by ClinVar (database versions not stated): ExAC 0.00002; gnomAD 0.00002; gnomAD exomes 0.00002; TOPMed 0.00002.
gnomAD v4.1: 38 of 1,614,002 alleles (0.0024%); highest among the groups gnomAD compares: Middle Eastern, 0.016%; no homozygotes.

Submissions (5):

Labcorp Genetics (formerly Invitae), Labcorp
Classification: Uncertain significance for Cryopyrin associated periodic syndrome. Last evaluated: 2024-12-25. Review status: criteria provided, single submitter. Criteria: Invitae Variant Classification Sherloc (09022015). Collection method: clinical testing. Allele origin: germline.
Comment: This sequence change replaces arginine, which is basic and polar, with cysteine, which is neutral and slightly polar, at codon 550 of the NLRP3 protein (p.Arg550Cys). This variant is present in population databases (rs201678213, gnomAD 0.009%). This missense change has been observed in individual(s) with cryopyrin-associated periodic syndrome (PMID: 25979514). ClinVar contains an entry for this variant (Variation ID: 1018794). Invitae Evidence Modeling of protein sequence and biophysical properties (such as structural, functional, and spatial information, amino acid conservation, physicochemical variation, residue mobility, and thermodynamic stability) indicates that this missense variant is not expected to disrupt NLRP3 protein function with a negative predictive value of 95%. In summary, the available evidence is currently insufficient to determine the role of this variant in disease. Therefore, it has been classified as a Variant of Uncertain Significance.

Blueprint Genetics
Classification: Likely benign. Last evaluated: 2024-10-26. Review status: criteria provided, single submitter. Criteria: ACMG Guidelines, 2015. Collection method: clinical testing. Allele origin: germline.

Genome Diagnostics Laboratory, The Hospital for Sick Children
Classification: Uncertain significance for Autoinflammatory syndrome. Last evaluated: 2021-08-13. Review status: criteria provided, single submitter. Criteria: ACMG Guidelines, 2015. Collection method: clinical testing. Allele origin: germline. Affected: yes.

Clinical Genetics DNA and cytogenetics Diagnostics Lab, Erasmus MC, Erasmus Medical Center
Classification: Uncertain significance. Review status: no assertion criteria provided. Collection method: clinical testing. Allele origin: germline. Affected: yes. Study: VKGL Data-share Consensus. Not counted in ClinVar's aggregate classification.

Genome Diagnostics Laboratory, University Medical Center Utrecht
Classification: Uncertain significance. Review status: no assertion criteria provided. Collection method: clinical testing. Allele origin: germline. Affected: yes. Study: VKGL Data-share Consensus. Not counted in ClinVar's aggregate classification.

Literature cited by the submitters: PubMed 25979514 (cited by Labcorp Genetics (formerly Invitae), Labcorp).